The following is an entry in ClinVar:

ClinVar aggregate classification (germline): Conflicting classifications of pathogenicity. Review status: criteria provided, conflicting classifications (1 of 4 stars). 4 submissions from 4 submitters: Uncertain significance (2); Likely benign (2). Last evaluated 2025-08-05.

Conditions:
PMS2-related disorder. Also called: PMS2-related condition.
Hereditary cancer-predisposing syndrome. Also called: Neoplastic Syndromes, Hereditary; Tumor predisposition; Hereditary neoplastic syndrome; Hereditary Cancer Syndrome. Identifiers: Orphanet 140162, MedGen C0027672, MeSH D009386, MONDO:0015356.

Allele frequency attached by ClinVar (database versions not stated): gnomAD exomes below 0.00001.
gnomAD v4.1: 2 of 1,612,540 alleles (0.00012%); highest among the groups gnomAD compares: South Asian, 0.0022%; no homozygotes.

Submissions (4):

PreventionGenetics, part of Exact Sciences
Classification: Likely benign for PMS2-related condition. Last evaluated: 2025-08-05. Review status: criteria provided, single submitter. Criteria: ACMG Guidelines, 2015. Collection method: clinical testing. Allele origin: germline.
Comment: This variant is classified as likely benign based on ACMG/AMP sequence variant interpretation guidelines (Richards et al. 2015 PMID: 25741868, with internal and published modifications).

Ambry Genetics
Classification: Uncertain significance for Hereditary cancer-predisposing syndrome. Last evaluated: 2023-12-18. Review status: criteria provided, single submitter. Criteria: Ambry Variant Classification Scheme 2023. Collection method: clinical testing. Allele origin: germline.
Comment: The c.-5C>A variant is located in the 5' untranslated region (5&rsquo; UTR) of the PMS2 gene. This variant results from a C to A substitution 5 bases upstream from the first translated codon. This nucleotide position is not well conserved in available vertebrate species. Since supporting evidence is limited at this time, the clinical significance of this alteration remains unclear.

Quest Diagnostics Nichols Institute San Juan Capistrano
Classification: Uncertain significance. Last evaluated: 2022-12-03. Review status: criteria provided, single submitter. Criteria: Quest Diagnostics criteria. Collection method: clinical testing. Allele origin: unknown.
Comment: The variant has not been reported in the published literature. The frequency of this variant in the general population, 0.000004 (1/250158 chromosomes), is uninformative in assessment of its pathogenicity. Based on the available information, we are unable to determine the clinical significance of this variant.

Color Diagnostics, LLC DBA Color Health
Classification: Likely benign for Hereditary cancer-predisposing syndrome. Last evaluated: 2017-03-28. Review status: criteria provided, single submitter. Criteria: ACMG Guidelines, 2015. Collection method: clinical testing. Allele origin: germline.

NM_000535.7(PMS2):c.-5C>A

Gene: PMS2 (PMS1 homolog 2, mismatch repair system component; minus strand). Cytogenetic location: 7p22.1.
Variant type: single nucleotide variant.
Coding change: c.-5C>A on transcript NM_000535.7 (MANE Select); 5 bases upstream of the start codon, C replaced by A.
Molecular consequence: 5 prime UTR variant. On other transcripts: non-coding transcript variant (1).
Genome position (GRCh38, 1-based): chr7:6,009,024, G>T on the plus strand (C>A on the coding strand, the complement: PMS2 is on the minus strand). VCF-style: chr7-6009024-G-T. GRCh37 (hg19) VCF-style: chr7-6048655-G-T.
Other names: c.-405C>A (NM_001322003.2, NM_001322013.2); c.-270C>A (NM_001322004.2, NM_001322010.2); c.-600C>A (NM_001322005.2); c.-5C>A (NM_001322006.2, NM_001322014.2); c.-220C>A (NM_001322007.2); c.-80C>A (NM_001322008.2); c.-595C>A (NM_001322009.2); c.-889C>A (NM_001322011.2); and 2 more.
Identifiers: ClinVar variation 185558 (VCV000185558.10), dbSNP rs786202272, ClinGen allele CA012390.
Genomic context (GRCh38, chr7:6,009,024, plus strand): 5'-AGGGGACACCGGAAGACTGCGAGCCCCGCTCACCTCGAGCTCTCAGCTCGCTCCATGGAT[G>T]CAACACCCGATCCGCCTCGGGGACTGGGAAAGTTCCCTCCAGGGCTCCCACAGGCGCTCC-3'